The following is an entry in ClinVar:

NM_058216.3(RAD51C):c.41del (p.Leu14fs)

Gene: RAD51C (RAD51 paralog C; plus strand). Cytogenetic location: 17q22.
Variant type: Deletion.
Coding change: c.41del on transcript NM_058216.3 (MANE Select); coding-DNA position 41, one base deleted (T; older notation c.41delT).
Protein change: p.Leu14fs; shifts the reading frame from leucine 14.
Molecular consequence: frameshift variant. On other transcripts: non-coding transcript variant (2).
Genome position (GRCh38, 1-based): chr17:58,692,684, T deleted; the last of 3 consecutive T bases (chr17:58,692,682-58,692,684); deleting any one gives the same sequence. VCF-style (leftmost placement, unchanged base first): chr17-58692681-AT-A. GRCh37 (hg19) VCF-style: chr17-56770042-AT-A.
Other names: c.41del, p.Leu14fs (NM_002876.4); short protein forms L14fs.
Identifiers: ClinVar variation 3663514 (VCV003663514.2).

ClinVar aggregate classification (germline): Pathogenic (1 of 4 stars; one submission).

Conditions:
Fanconi anemia complementation group O. Also called: RAD51C-Related Fanconi Anemia. Identifiers: Orphanet 84, MedGen C3150653, MONDO:0013248, OMIM 613390.

Submission:

Labcorp Genetics (formerly Invitae), Labcorp
Classification: Pathogenic for Fanconi anemia complementation group O. Last evaluated: 2024-08-27. Review status: criteria provided, single submitter. Criteria: Invitae Variant Classification Sherloc (09022015). Collection method: clinical testing. Allele origin: germline.
Comment: This sequence change creates a premature translational stop signal (p.Leu14Trpfs*2) in the RAD51C gene. It is expected to result in an absent or disrupted protein product. Loss-of-function variants in RAD51C are known to be pathogenic (PMID: 20400964, 21990120, 24800917, 29278735). This variant is not present in population databases (gnomAD no frequency). This variant has not been reported in the literature in individuals affected with RAD51C-related conditions. For these reasons, this variant has been classified as Pathogenic.

Literature cited by the submitters: PubMed 20400964; PubMed 21990120; PubMed 24800917; PubMed 29278735.